The following is an entry in ClinVar:

ClinVar aggregate classification (germline): Uncertain significance. Review status: criteria provided, single submitter (1 of 4 stars). 2 submissions from 2 submitters: Uncertain significance (1). 1 of the submissions does not count toward it. Last evaluated 2022-06-29.

Conditions:
BRSK2-related disorder. Also called: BRSK2-related condition; BRSK2-Related Disorders.
Inborn genetic diseases. Identifiers: MedGen C0950123, MeSH D030342.

Allele frequency attached by ClinVar (database versions not stated): gnomAD exomes 0.00002; ExAC 0.00003; gnomAD 0.00004; TOPMed 0.00005; ESP Exome Variant Server 0.00008.
gnomAD v4.1: 28 of 1,582,846 alleles (0.0018%); highest among the groups gnomAD compares: African/African-American, 0.004%; no homozygotes.

Submissions (2):

Ambry Genetics
Classification: Uncertain significance for Inborn genetic diseases. Last evaluated: 2022-06-29. Review status: criteria provided, single submitter. Criteria: Ambry Variant Classification Scheme 2023. Collection method: clinical testing. Allele origin: germline.

PreventionGenetics, part of Exact Sciences
Classification: Uncertain significance for BRSK2-related condition. Last evaluated: 2024-07-31. Review status: no assertion criteria provided. Collection method: clinical testing. Allele origin: germline. Not counted in ClinVar's aggregate classification.
Comment: The BRSK2 c.1784A>G variant is predicted to result in the amino acid substitution p.Tyr595Cys. To our knowledge, this variant has not been reported in the literature. This variant is reported in 0.0039% of alleles in individuals of European (Non-Finnish) descent in gnomAD. Although we suspect that this variant may be benign, at this time, the clinical significance of this variant is uncertain due to the absence of conclusive functional and genetic evidence.

NM_001256627.2(BRSK2):c.1784A>G (p.Tyr595Cys)

Gene: BRSK2 (BR serine/threonine kinase 2; plus strand). Cytogenetic location: 11p15.5.
Variant type: single nucleotide variant.
Coding change: c.1784A>G on transcript NM_001256627.2 (MANE Select); coding-DNA position 1784, A replaced by G.
Protein change: p.Tyr595Cys; replaces tyrosine 595 with cysteine.
Molecular consequence: missense variant. On other transcripts: non-coding transcript variant (1).
Genome position (GRCh38, 1-based): chr11:1,456,463, A>G. VCF-style: chr11-1456463-A-G. GRCh37 (hg19) VCF-style: chr11-1477693-A-G.
Other names: c.1784A>G, p.Tyr595Cys (NM_001256629.2, NM_003957.4); c.1922A>G, p.Tyr641Cys (NM_001256630.1); c.1604A>G, p.Tyr535Cys (NM_001282218.2); c.1784A>G (NM_001256627.1); short protein forms Y595C, Y641C, Y535C.
Identifiers: ClinVar variation 2398401 (VCV002398401.3), dbSNP rs374392356, ClinGen allele CA5811213.
Genomic context (GRCh38, chr11:1,456,463, plus strand): 5'-AGGCCACGGGGGGGCCAGCCGTGTTCCAGAAGCCGGTCAAGTTCCAGGTTGATATCACCT[A>G]CACGGAGGGTGGGGAGGCGCAGAAGGAGAACGGCATCTACTCCGTCACCTTCACCCTGCT-3'
Protein context (NP_001243556.1, residues 585-605): KPVKFQVDIT[Tyr595Cys]TEGGEAQKEN